The following is an entry in ClinVar:

NM_004990.4(MARS1):c.1514dup (p.Pro506fs)

Gene: MARS1 (methionyl-tRNA synthetase 1; plus strand). Cytogenetic location: 12q13.3.
Variant type: Duplication.
Coding change: c.1514dup on transcript NM_004990.4 (MANE Select); coding-DNA position 1514, one base duplicated (T; older notation c.1514dupT).
Protein change: p.Pro506fs; shifts the reading frame from proline 506.
Molecular consequence: frameshift variant.
Genome position (GRCh38, 1-based): chr12:57,511,843, T duplicated. VCF-style (leftmost placement, unchanged base first): chr12-57511842-G-GT. GRCh37 (hg19) VCF-style: chr12-57905625-G-GT.
Other names: short protein forms P506fs.
Identifiers: ClinVar variation 1023524 (VCV001023524.6), dbSNP rs1877536163, ClinGen allele CA2038898409.

ClinVar aggregate classification (germline): Uncertain significance (1 of 4 stars; one submission).

Conditions:
Severe early-onset pulmonary alveolar proteinosis due to MARS deficiency. Also called: Interstitial lung and liver disease; PULMONARY ALVEOLAR PROTEINOSIS, REUNION ISLAND. Identifiers: Orphanet 440427, MedGen C4225400, MONDO:0014206, OMIM 615486.
Charcot-Marie-Tooth disease axonal type 2U. Also called: CHARCOT-MARIE-TOOTH NEUROPATHY, TYPE 2U; CHARCOT-MARIE-TOOTH DISEASE, AXONAL, AUTOSOMAL DOMINANT, TYPE 2U. Identifiers: Orphanet 397735, MedGen C4084821, MONDO:0014566, OMIM 616280.

Submission:

Labcorp Genetics (formerly Invitae), Labcorp
Classification: Uncertain significance for Charcot-Marie-Tooth disease axonal type 2U; Severe early-onset pulmonary alveolar proteinosis due to MARS deficiency. Last evaluated: 2018-02-01. Review status: criteria provided, single submitter. Criteria: Invitae Variant Classification Sherloc (09022015). Collection method: clinical testing. Allele origin: germline.
Comment: In summary, the available evidence is currently insufficient to determine the role of this variant in disease. Therefore, it has been classified as a Variant of Uncertain Significance. The current clinical and genetic evidence is not sufficient to establish whether loss-of-function variants in MARS cause disease. This variant has not been reported in the literature in individuals with MARS-related disease. This variant is not present in population databases (ExAC no frequency). This sequence change creates a premature translational stop signal (p.Pro506Thrfs*6) in the MARS gene. It is expected to result in an absent or disrupted protein product.